The following is an entry in ClinVar:

ClinVar aggregate classification (germline): Uncertain significance. Review status: criteria provided, multiple submitters, no conflicts (2 of 4 stars). 2 submissions from 2 submitters: Uncertain significance (2). Last evaluated 2025-01-08.

gnomAD v4.1: 7 of 1,572,330 alleles (0.00045%); highest among the groups gnomAD compares: East Asian, 0.0067%; no homozygotes.

Submissions (2):

Labcorp Genetics (formerly Invitae), Labcorp
Classification: Uncertain significance. Last evaluated: 2025-01-08. Review status: criteria provided, single submitter. Criteria: Invitae Variant Classification Sherloc (09022015). Collection method: clinical testing. Allele origin: germline.
Comment: This sequence change replaces threonine, which is neutral and polar, with alanine, which is neutral and non-polar, at codon 243 of the IL12RB2 protein (p.Thr243Ala). This variant is present in population databases (no rsID available, gnomAD 0.02%). This variant has not been reported in the literature in individuals affected with IL12RB2-related conditions. An algorithm developed to predict the effect of missense changes on protein structure and function outputs the following: PolyPhen-2: "Benign". The alanine amino acid residue is found in multiple mammalian species, which suggests that this missense change does not adversely affect protein function. In summary, the available evidence is currently insufficient to determine the role of this variant in disease. Therefore, it has been classified as a Variant of Uncertain Significance.

Ambry Genetics
Classification: Uncertain significance. Last evaluated: 2024-06-25. Review status: criteria provided, single submitter. Criteria: Ambry Variant Classification Scheme 2023. Collection method: clinical testing. Allele origin: germline.

NM_001374259.2(IL12RB2):c.727A>G (p.Thr243Ala)

Gene: IL12RB2 (interleukin 12 receptor subunit beta 2; plus strand). Cytogenetic location: 1p31.3.
Variant type: single nucleotide variant.
Coding change: c.727A>G on transcript NM_001374259.2 (MANE Select); coding-DNA position 727, A replaced by G.
Protein change: p.Thr243Ala; replaces threonine 243 with alanine.
Molecular consequence: missense variant. On other transcripts: non-coding transcript variant (2).
Genome position (GRCh38, 1-based): chr1:67,329,649, A>G. VCF-style: chr1-67329649-A-G. GRCh37 (hg19) VCF-style: chr1-67795332-A-G.
Other names: c.727A>G, p.Thr243Ala (NM_001258214.1, NM_001258215.1, NM_001258216.1 and 2 more transcripts); short protein forms T243A.
Identifiers: ClinVar variation 3528528 (VCV003528528.3).